The following is an entry in ClinVar:

NR_003051.4(RMRP):n.162C>G

Gene: RMRP (RNA component of mitochondrial RNA processing endoribonuclease; minus strand). Cytogenetic location: 9p13.3.
Variant type: single nucleotide variant.
Genome position: GRCh38 VCF-style: chr9-35657858-G-C. GRCh37 (hg19) VCF-style: chr9-35657855-G-C.
Identifiers: ClinVar variation 1045924 (VCV001045924.9), dbSNP rs751373603, ClinGen allele CA464450671.

ClinVar aggregate classification (germline): Uncertain significance. Review status: criteria provided, single submitter (1 of 4 stars). 2 submissions from 2 submitters: Uncertain significance (1). 1 of the submissions does not count toward it. Last evaluated 2024-10-12.

Conditions:
Anauxetic dysplasia. Identifiers: Orphanet 93347, MedGen C1846796, MONDO:0011773.
Metaphyseal chondrodysplasia, McKusick type (CHH). Also called: Cartilage-hair hypoplasia; Cartilage-Hair Hypoplasia (CHH). Identifiers: Orphanet 175, MedGen C0220748, MONDO:0009595, OMIM 250250.

Allele frequency attached by ClinVar (database versions not stated): TOPMed 0.00001.
gnomAD v4.1: 4 of 700,472 alleles (0.00057%); highest among the groups gnomAD compares: Admixed American, 0.004%; no homozygotes.

Submissions (2):

Labcorp Genetics (formerly Invitae), Labcorp
Classification: Uncertain significance for Anauxetic dysplasia. Last evaluated: 2024-10-12. Review status: criteria provided, single submitter. Criteria: Invitae Variant Classification Sherloc (09022015). Collection method: clinical testing. Allele origin: germline.
Comment: This variant occurs in the RMRP gene, which encodes an RNA molecule that does not result in a protein product. This variant is present in population databases (no rsID available, gnomAD 0.004%). This variant has not been reported in the literature in individuals affected with RMRP-related conditions. ClinVar contains an entry for this variant (Variation ID: 1045924). Experimental studies and prediction algorithms are not available or were not evaluated, and the functional significance of this variant is currently unknown. In summary, the available evidence is currently insufficient to determine the role of this variant in disease. Therefore, it has been classified as a Variant of Uncertain Significance.

Natera, Inc.
Classification: Uncertain significance for Cartilage-hair hypoplasia. Last evaluated: 2020-03-25. Review status: no assertion criteria provided. Collection method: clinical testing. Allele origin: germline. Not counted in ClinVar's aggregate classification.